The following is an entry in ClinVar:

NM_002528.7(NTHL1):c.586A>C (p.Ile196Leu)

Gene: NTHL1 (nth like DNA glycosylase 1; minus strand). Cytogenetic location: 16p13.3.
Variant type: single nucleotide variant.
Coding change: c.586A>C on transcript NM_002528.7 (MANE Select); coding-DNA position 586, A replaced by C.
Protein change: p.Ile196Leu; replaces isoleucine 196 with leucine.
Molecular consequence: missense variant.
Genome position (GRCh38, 1-based): chr16:2,043,666, T>G on the plus strand (A>C on the coding strand, the complement: NTHL1 is on the minus strand). VCF-style: chr16-2043666-T-G. GRCh37 (hg19) VCF-style: chr16-2093667-T-G.
Other names: c.610A>C (NM_002528.5); c.415A>C, p.Ile139Leu (NM_001318193.2); c.256A>C, p.Ile86Leu (NM_001318194.2); short protein forms I139L, I86L, I196L.
Identifiers: ClinVar variation 1491184 (VCV001491184.9), dbSNP rs2150941339, ClinGen allele CA394291856.

ClinVar aggregate classification (germline): Uncertain significance. Review status: criteria provided, multiple submitters, no conflicts (2 of 4 stars). 2 submissions from 2 submitters: Uncertain significance (2). Last evaluated 2025-10-30.

Conditions:
Hereditary cancer-predisposing syndrome. Also called: Tumor predisposition; Hereditary neoplastic syndrome; Neoplastic Syndromes, Hereditary; Hereditary Cancer Syndrome. Identifiers: Orphanet 140162, MedGen C0027672, MeSH D009386, MONDO:0015356.

gnomAD v4.1: 2 of 1,612,130 alleles (0.00012%); highest among the groups gnomAD compares: Non-Finnish European, 0.00017%; no homozygotes.

Submissions (2):

Ambry Genetics
Classification: Uncertain significance for Hereditary cancer-predisposing syndrome. Last evaluated: 2025-10-30. Review status: criteria provided, single submitter. Criteria: Ambry Variant Classification Scheme 2023. Collection method: clinical testing. Allele origin: germline.
Comment: The p.I204L variant (also known as c.610A>C), located in coding exon 4 of the NTHL1 gene, results from an A to C substitution at nucleotide position 610. The isoleucine at codon 204 is replaced by leucine, an amino acid with highly similar properties. This alteration was detected in 1/4985 women with breast cancer and 0/4786 cancer-free female controls (Li N et al. NPJ Breast Cancer, 2021 May;7:52). This amino acid position is highly conserved in available vertebrate species. In addition, the in silico prediction for this alteration is inconclusive. Since supporting evidence is limited at this time, the clinical significance of this alteration remains unclear.

Labcorp Genetics (formerly Invitae), Labcorp
Classification: Uncertain significance. Last evaluated: 2023-09-19. Review status: criteria provided, single submitter. Criteria: Invitae Variant Classification Sherloc (09022015). Collection method: clinical testing. Allele origin: germline.
Comment: This sequence change replaces isoleucine, which is neutral and non-polar, with leucine, which is neutral and non-polar, at codon 204 of the NTHL1 protein (p.Ile204Leu). This variant is not present in population databases (gnomAD no frequency). This missense change has been observed in individual(s) with breast cancer (PMID: 33980861). ClinVar contains an entry for this variant (Variation ID: 1491184). An algorithm developed to predict the effect of missense changes on protein structure and function (PolyPhen-2) suggests that this variant is likely to be disruptive. In summary, the available evidence is currently insufficient to determine the role of this variant in disease. Therefore, it has been classified as a Variant of Uncertain Significance.

Literature cited by the submitters: PubMed 33980861 (cited by Ambry Genetics and Labcorp Genetics (formerly Invitae), Labcorp).